The following is an entry in ClinVar:

NM_001098816.3(TENM4):c.4081A>G (p.Ile1361Val)

Gene: TENM4 (teneurin transmembrane protein 4; minus strand). Cytogenetic location: 11q14.1.
Variant type: single nucleotide variant.
Coding change: c.4081A>G on transcript NM_001098816.3 (MANE Select); coding-DNA position 4081, A replaced by G.
Protein change: p.Ile1361Val; replaces isoleucine 1361 with valine.
Molecular consequence: missense variant.
Genome position (GRCh38, 1-based): chr11:78,708,489, T>C on the plus strand (A>G on the coding strand, the complement: TENM4 is on the minus strand). VCF-style: chr11-78708489-T-C. GRCh37 (hg19) VCF-style: chr11-78419534-T-C.
Other names: short protein forms I1361V.
Identifiers: ClinVar variation 714015 (VCV000714015.30), dbSNP rs200821670, ClinGen allele CA6206880.

ClinVar aggregate classification (germline): Benign. Review status: criteria provided, multiple submitters, no conflicts (2 of 4 stars). 4 submissions from 4 submitters: Benign (3). 1 of the submissions does not count toward it. Last evaluated 2026-07-01.

Conditions:
TENM4-related disorder. Also called: TENM4-related condition.

Allele frequency attached by ClinVar (database versions not stated): gnomAD 0.00046 and 0.00091; TOPMed 0.00055; ESP Exome Variant Server 0.00080; gnomAD exomes 0.00132 and 0.00216; 1000 Genomes Project 0.00200; 1000 Genomes Project 30x 0.00219; ExAC 0.00234.
gnomAD v4.1: 2,086 of 1,613,948 alleles (0.13%); highest among the groups gnomAD compares: South Asian, 1.3%; 19 homozygotes.

Submissions (4):

CeGaT Center for Human Genetics Tuebingen
Classification: Benign. Last evaluated: 2026-07-01. Review status: criteria provided, single submitter. Criteria: CeGaT Center For Human Genetics Tuebingen Variant Classification Criteria Version 2. Collection method: clinical testing. Allele origin: germline. Affected: yes. Observed: 6 variant alleles.
Comment: TENM4: BS1, BS2

Labcorp Genetics (formerly Invitae), Labcorp
Classification: Benign. Last evaluated: 2019-12-31. Review status: criteria provided, single submitter. Criteria: Invitae Variant Classification Sherloc (09022015). Collection method: clinical testing. Allele origin: germline.

Breakthrough Genomics
Classification: Benign. Review status: criteria provided, single submitter. Criteria: ACMG Guidelines, 2015. Collection method: not provided. Allele origin: germline. Inheritance: Autosomal dominant inheritance. Affected: yes.

PreventionGenetics, part of Exact Sciences
Classification: Benign for TENM4-related condition. Last evaluated: 2019-07-01. Review status: no assertion criteria provided. Collection method: clinical testing. Allele origin: germline. Not counted in ClinVar's aggregate classification.
Comment: This variant is classified as benign based on ACMG/AMP sequence variant interpretation guidelines (Richards et al. 2015 PMID: 25741868, with internal and published modifications).